The following is an entry in ClinVar:

NM_004995.4(MMP14):c.664A>G (p.Thr222Ala)

Gene: MMP14 (matrix metallopeptidase 14; plus strand). Cytogenetic location: 14q11.2.
Variant type: single nucleotide variant.
Coding change: c.664A>G on transcript NM_004995.4 (MANE Select); coding-DNA position 664, A replaced by G.
Protein change: p.Thr222Ala; replaces threonine 222 with alanine.
Molecular consequence: missense variant.
Genome position (GRCh38, 1-based): chr14:22,842,693, A>G. VCF-style: chr14-22842693-A-G. GRCh37 (hg19) VCF-style: chr14-23311902-A-G.
Other names: short protein forms T222A.
Identifiers: ClinVar variation 2978141 (VCV002978141.3), dbSNP rs377219142, ClinGen allele CA7105214.

ClinVar aggregate classification (germline): Uncertain significance (1 of 4 stars; one submission).

Allele frequency attached by ClinVar (database versions not stated): gnomAD exomes below 0.00001; ExAC 0.00001; TOPMed 0.00001; ESP Exome Variant Server 0.00008.
gnomAD v4.1: 1 of 1,607,742 alleles (0.000062%); highest among the groups gnomAD compares: Non-Finnish European, 0.000085%; no homozygotes.

Submission:

Labcorp Genetics (formerly Invitae), Labcorp
Classification: Uncertain significance. Last evaluated: 2023-06-10. Review status: criteria provided, single submitter. Criteria: Invitae Variant Classification Sherloc (09022015). Collection method: clinical testing. Allele origin: germline.
Comment: This sequence change replaces threonine, which is neutral and polar, with alanine, which is neutral and non-polar, at codon 222 of the MMP14 protein (p.Thr222Ala). This variant is not present in population databases (gnomAD no frequency). This variant has not been reported in the literature in individuals affected with MMP14-related conditions. Advanced modeling of protein sequence and biophysical properties (such as structural, functional, and spatial information, amino acid conservation, physicochemical variation, residue mobility, and thermodynamic stability) has been performed at Invitae for this missense variant, however the output from this modeling did not meet the statistical confidence thresholds required to predict the impact of this variant on MMP14 protein function. Algorithms developed to predict the effect of sequence changes on RNA splicing suggest that this variant may create or strengthen a splice site. In summary, the available evidence is currently insufficient to determine the role of this variant in disease. Therefore, it has been classified as a Variant of Uncertain Significance.